The following is an entry in ClinVar:

ClinVar aggregate classification (germline): Uncertain significance (1 of 4 stars; one submission).

Submission:

GeneDx
Classification: Uncertain significance. Last evaluated: 2024-09-23. Review status: criteria provided, single submitter. Criteria: GeneDx Variant Classification Process June 2021. Collection method: clinical testing. Allele origin: germline. Affected: yes.
Comment: Not observed at significant frequency in large population cohorts (gnomAD); In silico analysis supports that this missense variant has a deleterious effect on protein structure/function; Has not been previously published as pathogenic or benign to our knowledge

NM_003107.3(SOX4):c.1258G>A (p.Gly420Ser)

Gene: SOX4 (SRY-box transcription factor 4; plus strand). Cytogenetic location: 6p22.3.
Variant type: single nucleotide variant.
Coding change: c.1258G>A on transcript NM_003107.3 (MANE Select); coding-DNA position 1258, G replaced by A.
Protein change: p.Gly420Ser; replaces glycine 420 with serine.
Molecular consequence: missense variant.
Genome position (GRCh38, 1-based): chr6:21,595,792, G>A. VCF-style: chr6-21595792-G-A. GRCh37 (hg19) VCF-style: chr6-21596023-G-A.
Other names: short protein forms G420S.
Identifiers: ClinVar variation 3774019 (VCV003774019.1).